The following is an entry in ClinVar:

NM_015046.7(SETX):c.8030dup (p.Leu2677fs)

Gene: SETX (senataxin; minus strand). Cytogenetic location: 9q34.13.
Variant type: Duplication.
Coding change: c.8030dup on transcript NM_015046.7 (MANE Select); coding-DNA position 8030, one base duplicated (T; older notation c.8030dupT).
Protein change: p.Leu2677fs; shifts the reading frame from leucine 2677.
Molecular consequence: frameshift variant.
Genome position (GRCh38, 1-based): chr9:132,264,243, A duplicated on the plus strand (T on the coding strand, the reverse complement: SETX is on the minus strand); the first of 4 consecutive A bases (chr9:132,264,243-132,264,246); duplicating any one gives the same sequence. VCF-style (leftmost placement, unchanged base first): chr9-132264242-T-TA. GRCh37 (hg19) VCF-style: chr9-135139629-T-TA.
Other names: c.8030dup, p.Leu2677fs (NM_001351527.2); c.8117dup, p.Leu2706fs (NM_001351528.2); short protein forms L2706fs, L2677fs.
Identifiers: ClinVar variation 2038494 (VCV002038494.4), dbSNP rs2131109430, ClinGen allele CA2580079864.

ClinVar aggregate classification (germline): Uncertain significance (1 of 4 stars; one submission).

Conditions:
Amyotrophic lateral sclerosis type 4 (ALS4). Also called: AMYOTROPHIC LATERAL SCLEROSIS 4, JUVENILE; NEURONOPATHY, DISTAL HEREDITARY MOTOR, WITH PYRAMIDAL FEATURES. Identifiers: Orphanet 357043, MedGen C1865409, MONDO:0011223, OMIM 602433.
Spinocerebellar ataxia, autosomal recessive, with axonal neuropathy 2 (SCAN2). Also called: Ataxia-ocular apraxia-2; Ataxia with Oculomotor Apraxia; ATAXIA-OCULOMOTOR APRAXIA 2; Ataxia with Oculomotor Apraxia Type 2. Identifiers: Orphanet 64753, MedGen C1853761, MONDO:0018996, OMIM 606002.

Submission:

Labcorp Genetics (formerly Invitae), Labcorp
Classification: Uncertain significance for Amyotrophic lateral sclerosis type 4; Spinocerebellar ataxia, autosomal recessive, with axonal neuropathy 2. Last evaluated: 2022-06-25. Review status: criteria provided, single submitter. Criteria: Invitae Variant Classification Sherloc (09022015). Collection method: clinical testing. Allele origin: germline.
Comment: Experimental studies and prediction algorithms are not available or were not evaluated, and the functional significance of this variant is currently unknown. In summary, the available evidence is currently insufficient to determine the role of this variant in disease. Therefore, it has been classified as a Variant of Uncertain Significance. This variant has not been reported in the literature in individuals affected with SETX-related conditions. This variant is not present in population databases (gnomAD no frequency). This sequence change results in a frameshift in the SETX gene (p.Leu2677Phefs*18). While this is not anticipated to result in nonsense mediated decay, it is expected to disrupt the last 1 amino acid(s) of the SETX protein and extend the protein by 16 additional amino acid residues.